The following is an entry in ClinVar:

ClinVar aggregate classification (germline): Uncertain significance (0 of 4 stars; one submission).

Conditions:
NPHP3-related disorder. Also called: NPHP3-related disorders; NPHP3-related condition. Identifiers: MedGen CN379163.

Submission:

PreventionGenetics, part of Exact Sciences
Classification: Uncertain significance for NPHP3-related condition. Last evaluated: 2024-08-10. Review status: no assertion criteria provided. Collection method: clinical testing. Allele origin: germline.
Comment: The NPHP3 c.1672T>C variant is predicted to result in the amino acid substitution p.Ser558Pro. To our knowledge, this variant has not been reported in the literature or in a large population database, indicating this variant is rare. At this time, the clinical significance of this variant is uncertain due to the absence of conclusive functional and genetic evidence.

NM_153240.5(NPHP3):c.1672T>C (p.Ser558Pro)

Genes: NPHP3 (nephrocystin 3; minus strand), NPHP3-ACAD11 (NPHP3-ACAD11 readthrough (NMD candidate); minus strand). Cytogenetic location: 3q22.1.
Variant type: single nucleotide variant.
Coding change: c.1672T>C on transcript NM_153240.5 (MANE Select); coding-DNA position 1672, T replaced by C.
Protein change: p.Ser558Pro; replaces serine 558 with proline.
Molecular consequence: missense variant. On other transcripts: non-coding transcript variant (1).
Genome position (GRCh38, 1-based): chr3:132,700,405, A>G on the plus strand (T>C on the coding strand, the complement: NPHP3 is on the minus strand). VCF-style: chr3-132700405-A-G. GRCh37 (hg19) VCF-style: chr3-132419249-A-G.
Other names: short protein forms S558P.
Identifiers: ClinVar variation 3344802 (VCV003344802.1).